The following is an entry in ClinVar:

NM_000448.3(RAG1):c.3047G>A (p.Gly1016Glu)

Gene: RAG1 (recombination activating 1; plus strand). Cytogenetic location: 11p12.
Variant type: single nucleotide variant.
Coding change: c.3047G>A on transcript NM_000448.3 (MANE Select); coding-DNA position 3047, G replaced by A.
Protein change: p.Gly1016Glu; replaces glycine 1016 with glutamic acid.
Molecular consequence: missense variant.
Genome position (GRCh38, 1-based): chr11:36,576,351, G>A. VCF-style: chr11-36576351-G-A. GRCh37 (hg19) VCF-style: chr11-36597901-G-A.
Other names: c.3047G>A, p.Gly1016Glu (NM_001377277.1, NM_001377278.1, NM_001377279.1 and 1 more transcripts); short protein forms G1016E.
Identifiers: ClinVar variation 2109191 (VCV002109191.1), dbSNP rs2494763205, ClinGen allele CA380136819.
Genomic context (GRCh38, chr11:36,576,351, plus strand): 5'-TGTACACCTCCAAATACCTCCAGAAGTTTATGAATGCTCATAATGCATTAAAAACCTCTG[G>A]GTTTACCATGAACCCTCAGGCAAGCTTAGGGGACCCATTAGGCATAGAGGACTCTCTGGA-3'
Protein context (NP_000439.2, residues 1006-1026): MNAHNALKTS[Gly1016Glu]FTMNPQASLG

ClinVar aggregate classification (germline): Uncertain significance (1 of 4 stars; one submission).

Conditions:
Combined immunodeficiency with skin granulomas. Identifiers: Orphanet 157949, MedGen C2673536, MONDO:0009306, OMIM 233650.
Severe combined immunodeficiency, autosomal recessive, T cell-negative, B cell-negative, NK cell-positive. Also called: SCID, T CELL-NEGATIVE, B CELL-NEGATIVE, NK CELL-POSITIVE; SCID, AR, T-cell negative, B-cell negative, NK cell-positive; Severe combined immunodeficiency due to complete RAG1/2 deficiency. Identifiers: Orphanet 331206, MedGen C1832322, MONDO:0011086, OMIM 601457.

Allele frequency attached by ClinVar (database versions not stated): gnomAD exomes 0.00002.
gnomAD v4.1: 16 of 1,614,082 alleles (0.00099%); highest among the groups gnomAD compares: Non-Finnish European, 0.0014%; no homozygotes.

Submission:

Labcorp Genetics (formerly Invitae), Labcorp
Classification: Uncertain significance for Combined immunodeficiency with skin granulomas; Severe combined immunodeficiency, autosomal recessive, T cell-negative, B cell-negative, NK cell-positive. Last evaluated: 2022-05-21. Review status: criteria provided, single submitter. Criteria: Invitae Variant Classification Sherloc (09022015). Collection method: clinical testing. Allele origin: germline.
Comment: This sequence change replaces glycine, which is neutral and non-polar, with glutamic acid, which is acidic and polar, at codon 1016 of the RAG1 protein (p.Gly1016Glu). This variant is not present in population databases (gnomAD no frequency). This variant has not been reported in the literature in individuals affected with RAG1-related conditions. Advanced modeling of protein sequence and biophysical properties (such as structural, functional, and spatial information, amino acid conservation, physicochemical variation, residue mobility, and thermodynamic stability) performed at Invitae indicates that this missense variant is not expected to disrupt RAG1 protein function. In summary, the available evidence is currently insufficient to determine the role of this variant in disease. Therefore, it has been classified as a Variant of Uncertain Significance.